The following is an entry in ClinVar:

NM_152383.5(DIS3L2):c.571A>G (p.Lys191Glu)

Gene: DIS3L2 (DIS3 like 3'-5' exoribonuclease 2; plus strand). Cytogenetic location: 2q37.1.
Variant type: single nucleotide variant.
Coding change: c.571A>G on transcript NM_152383.5 (MANE Select); coding-DNA position 571, A replaced by G.
Protein change: p.Lys191Glu; replaces lysine 191 with glutamic acid.
Molecular consequence: missense variant. On other transcripts: non-coding transcript variant (2).
Genome position (GRCh38, 1-based): chr2:232,087,691, A>G. VCF-style: chr2-232087691-A-G. GRCh37 (hg19) VCF-style: chr2-232952401-A-G.
Other names: c.571A>G, p.Lys191Glu (NM_001257281.2, NM_001257282.2); short protein forms K191E.
Identifiers: ClinVar variation 2047878 (VCV002047878.4), dbSNP rs2469750282, ClinGen allele CA351155270.
Genomic context (GRCh38, chr2:232,087,691, plus strand): 5'-GATGGCAGCGACTCAGAAGATGGACATGGCATCACACAAAATGTGCTGGTTGATGGTGTT[A>G]AGAAACTCTCAGTTTGTGTTTCTGAGAAAGGTGAGTACTAGACTATTGTCTTACTTTTTT-3'
Protein context (NP_689596.4, residues 181-201): ITQNVLVDGV[Lys191Glu]KLSVCVSEKG

ClinVar aggregate classification (germline): Uncertain significance (1 of 4 stars; one submission).

Conditions:
Perlman syndrome (PRLMNS). Identifiers: Orphanet 2849, MedGen C0796113, MONDO:0009965, OMIM 267000.

Submission:

Labcorp Genetics (formerly Invitae), Labcorp
Classification: Uncertain significance for Perlman syndrome. Last evaluated: 2023-06-13. Review status: criteria provided, single submitter. Criteria: Invitae Variant Classification Sherloc (09022015). Collection method: clinical testing. Allele origin: germline.
Comment: In summary, the available evidence is currently insufficient to determine the role of this variant in disease. Therefore, it has been classified as a Variant of Uncertain Significance. An algorithm developed to predict the effect of missense changes on protein structure and function (PolyPhen-2) suggests that this variant is likely to be tolerated. ClinVar contains an entry for this variant (Variation ID: 2047878). This variant has not been reported in the literature in individuals affected with DIS3L2-related conditions. This variant is not present in population databases (gnomAD no frequency). This sequence change replaces lysine, which is basic and polar, with glutamic acid, which is acidic and polar, at codon 191 of the DIS3L2 protein (p.Lys191Glu).